The following is an entry in ClinVar:

ClinVar aggregate classification (germline): Likely benign. Review status: criteria provided, multiple submitters, no conflicts (2 of 4 stars). 2 submissions from 2 submitters: Likely benign (2). Last evaluated 2024-02-06.

Conditions:
Charcot-Marie-Tooth disease axonal type 2S. Also called: CHARCOT-MARIE-TOOTH DISEASE, AXONAL, AUTOSOMAL RECESSIVE, TYPE 2S; CHARCOT-MARIE-TOOTH NEUROPATHY, TYPE 2S. Identifiers: Orphanet 443073, MedGen C4015349, MONDO:0014511, OMIM 616155.
Autosomal recessive distal spinal muscular atrophy 1. Also called: NEURONOPATHY, DISTAL HEREDITARY MOTOR, HARDING TYPE VI; NEUROPATHY, DISTAL HEREDITARY MOTOR, AUTOSOMAL RECESSIVE 1; NEURONOPATHY, SEVERE INFANTILE AXONAL, WITH RESPIRATORY FAILURE; SEVERE INFANTILE AXONAL NEUROPATHY WITH RESPIRATORY FAILURE; SPINAL MUSCULAR ATROPHY, DIAPHRAGMATIC; Spinal muscular atrophy with respiratory distress 1. Identifiers: Orphanet 98920, MedGen C1858517, MONDO:0011436, OMIM 604320.

Allele frequency attached by ClinVar (database versions not stated): gnomAD exomes below 0.00001; TOPMed below 0.00001; gnomAD 0.00001.
gnomAD v4.1: 3 of 1,613,250 alleles (0.00019%); highest among the groups gnomAD compares: South Asian, 0.0011%; no homozygotes.

Submissions (2):

Labcorp Genetics (formerly Invitae), Labcorp
Classification: Likely benign for Autosomal recessive distal spinal muscular atrophy 1; Charcot-Marie-Tooth disease axonal type 2S. Last evaluated: 2024-02-06. Review status: criteria provided, single submitter. Criteria: Invitae Variant Classification Sherloc (09022015). Collection method: clinical testing. Allele origin: germline.

GeneDx
Classification: Likely benign. Last evaluated: 2017-12-08. Review status: criteria provided, single submitter. Criteria: GeneDx Variant Classification (06012015). Collection method: clinical testing. Allele origin: germline. Affected: yes.
Comment: This variant is considered likely benign or benign based on one or more of the following criteria: it is a conservative change, it occurs at a poorly conserved position in the protein, it is predicted to be benign by multiple in silico algorithms, and/or has population frequency not consistent with disease.

NM_002180.3(IGHMBP2):c.954T>C (p.Asn318=)

Gene: IGHMBP2 (immunoglobulin mu DNA binding protein 2; plus strand). Cytogenetic location: 11q13.3.
Variant type: single nucleotide variant.
Coding change: c.954T>C on transcript NM_002180.3 (MANE Select); coding-DNA position 954, T replaced by C.
Protein change: p.Asn318=; no amino-acid change (asparagine 318 retained).
Molecular consequence: synonymous variant.
Genome position (GRCh38, 1-based): chr11:68,917,777, T>C. VCF-style: chr11-68917777-T-C. GRCh37 (hg19) VCF-style: chr11-68685245-T-C.
Identifiers: ClinVar variation 514064 (VCV000514064.9), dbSNP rs1482496537, ClinGen allele CA475194777.